The following is an entry in ClinVar:

ClinVar aggregate classification (germline): Pathogenic (1 of 4 stars; one submission).

Submission:

Labcorp Genetics (formerly Invitae), Labcorp
Classification: Pathogenic. Last evaluated: 2023-07-20. Review status: criteria provided, single submitter. Criteria: Invitae Variant Classification Sherloc (09022015). Collection method: clinical testing. Allele origin: germline.
Comment: This sequence change creates a premature translational stop signal (p.Lys1736Serfs*4) in the LOXHD1 gene. It is expected to result in an absent or disrupted protein product. Loss-of-function variants in LOXHD1 are known to be pathogenic (PMID: 19732867, 21465660, 25792669). This variant is not present in population databases (gnomAD no frequency). This variant has not been reported in the literature in individuals affected with LOXHD1-related conditions. For these reasons, this variant has been classified as Pathogenic.

Literature cited by the submitters: PubMed 19732867; PubMed 21465660; PubMed 25792669.

NM_001384474.1(LOXHD1):c.5391_5392del (p.Lys1798fs)

Gene: LOXHD1 (lipoxygenase homology PLAT domains 1; minus strand). Cytogenetic location: 18q21.1.
Variant type: Deletion.
Coding change: c.5391_5392del on transcript NM_001384474.1 (MANE Select); coding-DNA positions 5391 to 5392, 2 bases deleted (GA; older notation c.5391_5392delGA).
Protein change: p.Lys1798fs; shifts the reading frame from lysine 1798.
Molecular consequence: frameshift variant.
Genome position (GRCh38, 1-based): chr18:46,518,136-46,518,137, TC deleted on the plus strand (GA on the coding strand, the reverse complement: LOXHD1 is on the minus strand); deleting any 2 consecutive bases within chr18:46,518,136-46,518,138 gives the same sequence; the c. name uses the placement nearest the transcript's 3' end. VCF-style (leftmost placement, unchanged base first): chr18-46518135-TTC-T. GRCh37 (hg19) VCF-style: chr18-44098098-TTC-T.
Other names: c.2058_2059del, p.Lys687fs (NM_001145472.3); c.108_109del, p.Lys37fs (NM_001145473.3, NM_001173129.2); c.1770_1771del, p.Lys591fs (NM_001308013.2); c.5205_5206del, p.Lys1736fs (NM_144612.7); short protein forms K1736fs, K37fs, K687fs, K1798fs, K591fs.
Identifiers: ClinVar variation 2836822 (VCV002836822.3), dbSNP rs2511568251, ClinGen allele CA2739268700.